The following is an entry in ClinVar:

ClinVar aggregate classification (germline): Uncertain significance. Review status: criteria provided, multiple submitters, no conflicts (2 of 4 stars). 4 submissions from 4 submitters: Uncertain significance (4). Last evaluated 2026-02-12.

Conditions:
Hereditary cancer-predisposing syndrome. Also called: Neoplastic Syndromes, Hereditary; Tumor predisposition; Hereditary neoplastic syndrome; Hereditary Cancer Syndrome. Identifiers: Orphanet 140162, MedGen C0027672, MeSH D009386, MONDO:0015356.
Familial cancer of breast. Also called: BREAST CANCER, FAMILIAL; Hereditary breast cancer; hereditary breast carcinoma. Identifiers: Orphanet 227535, MedGen C0346153, MONDO:0016419, OMIM 114480. Disease mechanism: loss of function.
Breast-ovarian cancer, familial, susceptibility to, 5 (BROVCA5). Identifiers: MedGen C5830615, MONDO:0957530, OMIM 620442.

Allele frequency attached by ClinVar (database versions not stated): gnomAD exomes below 0.00001; TOPMed below 0.00001.
gnomAD v4.1: 1 of 1,614,172 alleles (0.000062%); highest among the groups gnomAD compares: Non-Finnish European, 0.000085%; no homozygotes.

Submissions (4):

Dasa
Classification: Uncertain significance for Breast-ovarian cancer, familial, susceptibility to, 5. Last evaluated: 2026-02-12. Review status: criteria provided, single submitter. Criteria: DASA Assertion Criteria. Collection method: clinical testing. Allele origin: germline.
Comment: NM_024675.4(PALB2):c.2713C>A (p.Gln905Lys) is a missense variant that results in the substitution of glutamine with lysine. This variant is rare in population databases. The currently available literature and clinical evidence are not sufficient to establish a definitive association between this variant and the reported condition. Therefore, this variant is classified as a variant of uncertain significance.

Ambry Genetics
Classification: Uncertain significance for Hereditary cancer-predisposing syndrome. Last evaluated: 2025-06-23. Review status: criteria provided, single submitter. Criteria: Ambry Variant Classification Scheme 2023. Collection method: clinical testing. Allele origin: germline.
Comment: The p.Q905K variant (also known as c.2713C>A), located in coding exon 7 of the PALB2 gene, results from a C to A substitution at nucleotide position 2713. The glutamine at codon 905 is replaced by lysine, an amino acid with similar properties. This amino acid position is conserved. In addition, this alteration is predicted to be tolerated by in silico analysis. Since supporting evidence is limited at this time, the clinical significance of this alteration remains unclear.

Labcorp Genetics (formerly Invitae), Labcorp
Classification: Uncertain significance for Familial cancer of breast. Last evaluated: 2025-05-09. Review status: criteria provided, single submitter. Criteria: Invitae Variant Classification Sherloc (09022015). Collection method: clinical testing. Allele origin: germline.
Comment: This sequence change replaces glutamine, which is neutral and polar, with lysine, which is basic and polar, at codon 905 of the PALB2 protein (p.Gln905Lys). This variant is not present in population databases (gnomAD no frequency). This variant has not been reported in the literature in individuals affected with PALB2-related conditions. ClinVar contains an entry for this variant (Variation ID: 460955). Invitae Evidence Modeling of protein sequence and biophysical properties (such as structural, functional, and spatial information, amino acid conservation, physicochemical variation, residue mobility, and thermodynamic stability) indicates that this missense variant is expected to disrupt PALB2 protein function with a positive predictive value of 80%. In summary, the available evidence is currently insufficient to determine the role of this variant in disease. Therefore, it has been classified as a Variant of Uncertain Significance.

Baylor Genetics
Classification: Uncertain significance for Familial cancer of breast. Last evaluated: 2024-03-08. Review status: criteria provided, single submitter. Criteria: ACMG Guidelines, 2015. Collection method: clinical testing. Allele origin: unknown.

NM_024675.4(PALB2):c.2713C>A (p.Gln905Lys)

Gene: PALB2 (partner and localizer of BRCA2; minus strand). Cytogenetic location: 16p12.2.
Variant type: single nucleotide variant.
Coding change: c.2713C>A on transcript NM_024675.4 (MANE Select); coding-DNA position 2713, C replaced by A.
Protein change: p.Gln905Lys; replaces glutamine 905 with lysine.
Molecular consequence: missense variant.
Genome position (GRCh38, 1-based): chr16:23,626,271, G>T on the plus strand (C>A on the coding strand, the complement: PALB2 is on the minus strand). VCF-style: chr16-23626271-G-T. GRCh37 (hg19) VCF-style: chr16-23637592-G-T.
Other names: short protein forms Q905K.
Identifiers: ClinVar variation 460955 (VCV000460955.15), dbSNP rs1555459939, ClinGen allele CA395121897.